The following is an entry in ClinVar:

ClinVar aggregate classification (germline): Uncertain significance. Review status: criteria provided, multiple submitters, no conflicts (2 of 4 stars). 3 submissions from 3 submitters: Uncertain significance (3). Last evaluated 2025-09-01.

Conditions:
Polyglandular autoimmune syndrome, type 1 (APS1). Also called: PGA I; Autoimmune polyendocrine syndrome type 1; AUTOIMMUNE POLYENDOCRINE SYNDROME, TYPE I, WITH OR WITHOUT REVERSIBLE METAPHYSEAL DYSPLASIA; APS I; HYPOADRENOCORTICISM WITH HYPOPARATHYROIDISM AND SUPERFICIAL MONILIASIS; Autoimmune polyendocrinopathy syndrome , type I, with or without reversible metaphyseal dysplasia. Identifiers: Orphanet 3453, MedGen C0085859, MONDO:0009411, OMIM 240300.

Submissions (3):

CeGaT Center for Human Genetics Tuebingen
Classification: Uncertain significance. Last evaluated: 2025-09-01. Review status: criteria provided, single submitter. Criteria: CeGaT Center For Human Genetics Tuebingen Variant Classification Criteria Version 2. Collection method: clinical testing. Allele origin: germline. Affected: yes. Observed: 2 variant alleles.
Comment: AIRE: PM1, PM2

Labcorp Genetics (formerly Invitae), Labcorp
Classification: Uncertain significance for Polyglandular autoimmune syndrome, type 1. Last evaluated: 2024-02-08. Review status: criteria provided, single submitter. Criteria: Invitae Variant Classification Sherloc (09022015). Collection method: clinical testing. Allele origin: germline.
Comment: This sequence change replaces arginine, which is basic and polar, with threonine, which is neutral and polar, at codon 79 of the AIRE protein (p.Arg79Thr). This variant is not present in population databases (gnomAD no frequency). This variant has not been reported in the literature in individuals affected with AIRE-related conditions. ClinVar contains an entry for this variant (Variation ID: 1957217). Algorithms developed to predict the effect of missense changes on protein structure and function output the following: SIFT: "Not Available"; PolyPhen-2: "Possibly Damaging"; Align-GVGD: "Not Available". The threonine amino acid residue is found in multiple mammalian species, which suggests that this missense change does not adversely affect protein function. In summary, the available evidence is currently insufficient to determine the role of this variant in disease. Therefore, it has been classified as a Variant of Uncertain Significance.

Breakthrough Genomics
Classification: Uncertain significance. Review status: criteria provided, single submitter. Criteria: ACMG Guidelines, 2015. Collection method: not provided. Allele origin: germline. Inheritance: Autosomal dominant inheritance. Affected: yes.

NM_000383.4(AIRE):c.236G>C (p.Arg79Thr)

Gene: AIRE (autoimmune regulator; plus strand). Cytogenetic location: 21q22.3.
Variant type: single nucleotide variant.
Coding change: c.236G>C on transcript NM_000383.4 (MANE Select); coding-DNA position 236, G replaced by C.
Protein change: p.Arg79Thr; replaces arginine 79 with threonine.
Molecular consequence: missense variant.
Genome position (GRCh38, 1-based): chr21:44,286,660, G>C. VCF-style: chr21-44286660-G-C. GRCh37 (hg19) VCF-style: chr21-45706543-G-C.
Other names: short protein forms R79T.
Identifiers: ClinVar variation 1957217 (VCV001957217.19), dbSNP rs2517876339, ClinGen allele CA410423415.